The following is an entry in ClinVar:

NM_003901.4(SGPL1):c.165G>A (p.Trp55Ter)

Gene: SGPL1 (sphingosine-1-phosphate lyase 1; plus strand). Cytogenetic location: 10q22.1.
Variant type: single nucleotide variant.
Coding change: c.165G>A on transcript NM_003901.4 (MANE Select); coding-DNA position 165, G replaced by A.
Protein change: p.Trp55Ter; replaces tryptophan 55 with a stop codon.
Molecular consequence: nonsense.
Genome position (GRCh38, 1-based): chr10:70,844,610, G>A. VCF-style: chr10-70844610-G-A. GRCh37 (hg19) VCF-style: chr10-72604367-G-A.
Other names: short protein forms W55*.
Identifiers: ClinVar variation 2076836 (VCV002076836.4), dbSNP rs370111307, ClinGen allele CA5541095.

ClinVar aggregate classification (germline): Pathogenic (1 of 4 stars; one submission).

Allele frequency attached by ClinVar (database versions not stated): ESP Exome Variant Server 0.00008; ExAC 0.00001; gnomAD exomes 0.00001.

Submission:

Labcorp Genetics (formerly Invitae), Labcorp
Classification: Pathogenic. Last evaluated: 2022-02-11. Review status: criteria provided, single submitter. Criteria: Invitae Variant Classification Sherloc (09022015). Collection method: clinical testing. Allele origin: germline.
Comment: For these reasons, this variant has been classified as Pathogenic. This variant has not been reported in the literature in individuals affected with SGPL1-related conditions. This variant is present in population databases (rs370111307, gnomAD 0.0009%). This sequence change creates a premature translational stop signal (p.Trp55*) in the SGPL1 gene. It is expected to result in an absent or disrupted protein product. Loss-of-function variants in SGPL1 are known to be pathogenic (PMID: 28165339, 28165343).

Literature cited by the submitters: PubMed 28165339; PubMed 28165343.